The following is an entry in ClinVar:

NM_001148.6(ANK2):c.2173A>G (p.Thr725Ala)

Gene: ANK2 (ankyrin 2; plus strand). Cytogenetic location: 4q26.
Variant type: single nucleotide variant.
Coding change: c.2173A>G on transcript NM_001148.6 (MANE Select); coding-DNA position 2173, A replaced by G.
Protein change: p.Thr725Ala; replaces threonine 725 with alanine.
Molecular consequence: missense variant.
Genome position (GRCh38, 1-based): chr4:113,287,698, A>G. VCF-style: chr4-113287698-A-G. GRCh37 (hg19) VCF-style: chr4-114208854-A-G.
Other names: c.2110A>G, p.Thr704Ala (NM_001127493.3, NM_001354239.2, NM_001354243.2 and 10 more transcripts); c.2173A>G, p.Thr725Ala (NM_001354225.2, NM_001354228.2, NM_001354232.2 and 6 more transcripts); c.2218A>G, p.Thr740Ala (NM_001354230.2, NM_001354231.2, NM_001354237.2 and 5 more transcripts); c.2074A>G, p.Thr692Ala (NM_001354245.2, NM_001354268.2); c.2086A>G, p.Thr696Ala (NM_001354249.2, NM_001354264.2, NM_001354266.2 and 10 more transcripts); c.2011A>G, p.Thr671Ala (NM_001354253.2, NM_001354257.2, NM_001354270.2 and 1 more transcripts); c.1987A>G, p.Thr663Ala (NM_001354260.2, NM_001354271.2, NM_001386151.1); c.2131A>G, p.Thr711Ala (NM_001354261.2, NM_001386147.1, NM_001386160.1); and 8 more; short protein forms T713A, T725A, T655A, T692A, T696A, T734A, T740A, T659A.
Identifiers: ClinVar variation 1787137 (VCV001787137.2), dbSNP rs2496552925, ClinGen allele CA357915892.

ClinVar aggregate classification (germline): Uncertain significance (1 of 4 stars; one submission).

Conditions:
Cardiovascular phenotype. Identifiers: MedGen CN230736.

gnomAD v4.1: 1 of 1,607,218 alleles (0.000062%); highest among the groups gnomAD compares: Non-Finnish European, 0.000085%; no homozygotes.

Submission:

Ambry Genetics
Classification: Uncertain significance for Cardiovascular phenotype. Last evaluated: 2019-09-18. Review status: criteria provided, single submitter. Criteria: Ambry Variant Classification Scheme 2023. Collection method: clinical testing. Allele origin: germline.
Comment: The p.T725A variant (also known as c.2173A>G), located in coding exon 19 of the ANK2 gene, results from an A to G substitution at nucleotide position 2173. The threonine at codon 725 is replaced by alanine, an amino acid with similar properties. This amino acid position is highly conserved in available vertebrate species. In addition, the in silico prediction for this alteration is inconclusive. Since supporting evidence is limited at this time, the clinical significance of this alteration remains unclear.